The following is an entry in ClinVar:

NM_004991.4(MECOM):c.2068C>A (p.Pro690Thr)

Gene: MECOM (MDS1 and EVI1 complex locus; minus strand). Cytogenetic location: 3q26.2.
Variant type: single nucleotide variant.
Coding change: c.2068C>A on transcript NM_004991.4 (MANE Select); coding-DNA position 2068, C replaced by A.
Protein change: p.Pro690Thr; replaces proline 690 with threonine.
Molecular consequence: missense variant. On other transcripts: intron variant (2).
Genome position (GRCh38, 1-based): chr3:169,115,804, G>T on the plus strand (C>A on the coding strand, the complement: MECOM is on the minus strand). VCF-style: chr3-169115804-G-T. GRCh37 (hg19) VCF-style: chr3-168833592-G-T.
Other names: c.1699C>A, p.Pro567Thr (NM_001105077.4); c.1504C>A, p.Pro502Thr (NM_001105078.4, NM_001164000.2, NM_001205194.2 and 4 more transcripts); c.1507C>A, p.Pro503Thr (NM_001163999.2, NM_001366467.2, NM_001366468.2 and 1 more transcripts); c.2068C>A, p.Pro690Thr (NM_001366466.2); c.1133-37C>A (NM_001366473.2); c.569-37C>A (NM_001366474.2); c.2068C>A (NM_004991.3); short protein forms P502T, P503T, P567T, P690T.
Identifiers: ClinVar variation 1308520 (VCV001308520.3), dbSNP rs1728985243, ClinGen allele CA355086276.

ClinVar aggregate classification (germline): Uncertain significance. Review status: criteria provided, multiple submitters, no conflicts (2 of 4 stars). 2 submissions from 2 submitters: Uncertain significance (2). Last evaluated 2025-01-11.

Conditions:
Inborn genetic diseases. Identifiers: MedGen C0950123, MeSH D030342.

Submissions (2):

Ambry Genetics
Classification: Uncertain significance for Inborn genetic diseases. Last evaluated: 2025-01-11. Review status: criteria provided, single submitter. Criteria: Ambry Variant Classification Scheme 2023. Collection method: clinical testing. Allele origin: germline.
Comment: The p.P690T variant (also known as c.2068C>A), located in coding exon 8 of the MECOM gene, results from a C to A substitution at nucleotide position 2068. The proline at codon 690 is replaced by threonine, an amino acid with highly similar properties. This amino acid position is conserved. In addition, the in silico prediction for this alteration is inconclusive. Based on the available evidence, the clinical significance of this variant remains unclear.

GeneDx
Classification: Uncertain significance. Last evaluated: 2019-04-02. Review status: criteria provided, single submitter. Criteria: GeneDx Variant Classification Process June 2021. Collection method: clinical testing. Allele origin: germline. Affected: yes.
Comment: Has not been previously published as pathogenic or benign to our knowledge; Not observed in large population cohorts (Lek et al., 2016); In silico analysis, which includes protein predictors and evolutionary conservation, supports a deleterious effect